The following is an entry in ClinVar:

ClinVar aggregate classification (germline): Uncertain significance (1 of 4 stars; one submission).

Allele frequency attached by ClinVar (database versions not stated): gnomAD exomes below 0.00001.
gnomAD v4.1: 2 of 1,614,224 alleles (0.00012%); highest among the groups gnomAD compares: Admixed American, 0.0033%; no homozygotes.

Submission:

Labcorp Genetics (formerly Invitae), Labcorp
Classification: Uncertain significance. Last evaluated: 2024-03-11. Review status: criteria provided, single submitter. Criteria: Invitae Variant Classification Sherloc (09022015). Collection method: clinical testing. Allele origin: germline.
Comment: This sequence change replaces valine, which is neutral and non-polar, with methionine, which is neutral and non-polar, at codon 155 of the KIAA0556 protein (p.Val155Met). This variant is present in population databases (no rsID available, gnomAD 0.003%). This variant has not been reported in the literature in individuals affected with KIAA0556-related conditions. ClinVar contains an entry for this variant (Variation ID: 2078547). An algorithm developed to predict the effect of missense changes on protein structure and function (PolyPhen-2) suggests that this variant is likely to be tolerated. In summary, the available evidence is currently insufficient to determine the role of this variant in disease. Therefore, it has been classified as a Variant of Uncertain Significance.

NM_015202.5(KATNIP):c.463G>A (p.Val155Met)

Gene: KATNIP (katanin interacting protein; plus strand). Cytogenetic location: 16p12.1.
Variant type: single nucleotide variant.
Coding change: c.463G>A on transcript NM_015202.5 (MANE Select); coding-DNA position 463, G replaced by A.
Protein change: p.Val155Met; replaces valine 155 with methionine.
Molecular consequence: missense variant.
Genome position (GRCh38, 1-based): chr16:27,648,658, G>A. VCF-style: chr16-27648658-G-A. GRCh37 (hg19) VCF-style: chr16-27659979-G-A.
Other names: short protein forms V155M.
Identifiers: ClinVar variation 2078547 (VCV002078547.4), dbSNP rs1277082471, ClinGen allele CA395314647.